The following is an entry in ClinVar:

ClinVar aggregate classification (germline): Uncertain significance (1 of 4 stars; one submission).

Submission:

Women's Health and Genetics/Laboratory Corporation of America, LabCorp
Classification: Uncertain significance. Last evaluated: 2025-12-14. Review status: criteria provided, single submitter. Criteria: LabCorp Variant Classification Summary - May 2015. Collection method: clinical testing. Allele origin: germline.
Comment: Variant summary: PKD1 c.6545_6580del36 (p.Gln2182_Ser2194delinsArg) results in an in-frame deletion-insertion that is predicted to delete 12 amino acids from the protein and also cause change in one amino acid. The variant was absent in 166888 control chromosomes (gnomAD). The available data on variant occurrences in the general population are insufficient to allow any conclusion about variant significance. To our knowledge, no occurrence of c.6545_6580del36 in individuals affected with PKD1-related conditions and no experimental evidence demonstrating its impact on protein function have been reported. ClinVar contains an entry for this variant (Variation ID: 3902594). Based on the evidence outlined above, the variant was classified as uncertain significance.

NM_001009944.3(PKD1):c.6545_6580del (p.Gln2182_Ser2194delinsArg)

Gene: PKD1 (polycystin 1, transient receptor potential channel interacting; minus strand). Cytogenetic location: 16p13.3.
Variant type: Deletion.
Coding change: c.6545_6580del on transcript NM_001009944.3 (MANE Select); coding-DNA positions 6545 to 6580, 36 bases deleted.
Protein change: p.Gln2182_Ser2194delinsArg.
Molecular consequence: inframe indel.
Genome position (GRCh38, 1-based): chr16:2,108,587-2,108,622, 36 bases deleted. GRCh37 (hg19): chr16:2,158,588-2,158,623.
Other names: c.6545_6580del, p.Gln2182_Ser2194delinsArg (NM_000296.4); c.6545_6580del36 (NM_001009944.3).
Identifiers: ClinVar variation 3902594 (VCV003902594.2).